The following is an entry in ClinVar:

NM_000088.4(COL1A1):c.1984-41G>A

Gene: COL1A1 (collagen type I alpha 1 chain; minus strand). Cytogenetic location: 17q21.33.
Variant type: single nucleotide variant.
Coding change: c.1984-41G>A on transcript NM_000088.4 (MANE Select); 41 bases into the intron before coding-DNA position 1984, G replaced by A.
Molecular consequence: intron variant.
Genome position (GRCh38, 1-based): chr17:50,192,065, C>T on the plus strand (G>A on the coding strand, the complement: COL1A1 is on the minus strand). VCF-style: chr17-50192065-C-T. GRCh37 (hg19) VCF-style: chr17-48269426-C-T.
Identifiers: ClinVar variation 674804 (VCV000674804.5), dbSNP rs2586490, ClinGen allele CA8644982.

ClinVar aggregate classification (germline): Benign. Review status: criteria provided, multiple submitters, no conflicts (2 of 4 stars). 7 submissions from 3 submitters: Benign (7). Last evaluated 2021-07-22.

Conditions:
Osteogenesis imperfecta, perinatal lethal (OI2). Also called: OSTEOGENESIS IMPERFECTA, TYPE II; VROLIK TYPE OF OSTEOGENESIS IMPERFECTA; Osteogenesis imperfecta type 2; Osteogenesis imperfecta, dominant perinatal lethal; OI, TYPE II; OSTEOGENESIS IMPERFECTA CONGENITA. Identifiers: Orphanet 216804, MedGen C0268358, MONDO:0008147, OMIM 166210.
Osteogenesis imperfecta with normal sclerae, dominant form (OI4). Also called: OSTEOGENESIS IMPERFECTA, TYPE IV, WITH DENTINOGENESIS IMPERFECTA; Osteogenesis Imperfecta Type IV; Common Variable Osteogenesis Imperfecta with Normal Sclerae; Osteogenesis imperfecta type 4; OSTEOGENESIS IMPERFECTA WITH NORMAL SCLERAE. Identifiers: Orphanet 216820, Orphanet 666, MedGen C0268363, MONDO:0008148, OMIM 166220.
Osteogenesis imperfecta type I (OI1). Also called: Lobstein disease; Lobstein's Disease; Osteogenesis imperfecta type 1; Classic Non-deforming Osteogenesis Imperfecta with Blue Sclerae; OI, TYPE I; OSTEOGENESIS IMPERFECTA TARDA. Identifiers: Orphanet 216796, Orphanet 666, MedGen C0023931, MONDO:0008146, OMIM 166200. Disease mechanism: loss of function.
Osteogenesis imperfecta type III (OI3). Also called: Osteogenesis imperfecta type 3; OI type 3; Osteogenesis imperfecta, progressively deforming with normal sclerae; OI type III; Progressively Deforming Osteogenesis Imperfecta. Identifiers: Orphanet 216812, Orphanet 666, MedGen C0268362, MONDO:0009804, OMIM 259420.
Ehlers-Danlos syndrome, arthrochalasia type. Also called: ARTHROCHALASIS MULTIPLEX CONGENITA; Ehlers-Danlos syndrome, arthrochalasis type; Ehlers-Danlos syndrome, arthrochalasia type, 1; EDS VII, MUTANT PROCOLLAGEN TYPE; EDS VIIA. Identifiers: Orphanet 1899, Orphanet 99875, Orphanet 99876, MedGen C4551623, MONDO:0007525, OMIM 130060.

Allele frequency attached by ClinVar (database versions not stated): 1000 Genomes Project 0.65236; 1000 Genomes Project 30x 0.66349; gnomAD exomes 0.67238 and 0.68370; ExAC 0.67905; gnomAD 0.69576 and 0.70223; TOPMed 0.70226; ESP Exome Variant Server 0.70254.
gnomAD v4.1: 1,095,341 of 1,599,810 alleles (68%); highest among the groups gnomAD compares: African/African-American, 73%; 376,435 homozygotes.

Submissions (7):

Genome-Nilou Lab
Classification: Benign for Ehlers-Danlos syndrome, arthrochalasia type. Last evaluated: 2021-07-22. Review status: criteria provided, single submitter. Criteria: ACMG Guidelines, 2015. Collection method: clinical testing. Allele origin: germline. Affected: no.

Genome-Nilou Lab
Classification: Benign for Osteogenesis imperfecta type I. Last evaluated: 2021-07-22. Review status: criteria provided, single submitter. Criteria: ACMG Guidelines, 2015. Collection method: clinical testing. Allele origin: germline. Affected: no.

Genome-Nilou Lab
Classification: Benign for Osteogenesis imperfecta, perinatal lethal. Last evaluated: 2021-07-22. Review status: criteria provided, single submitter. Criteria: ACMG Guidelines, 2015. Collection method: clinical testing. Allele origin: germline. Affected: no.

Genome-Nilou Lab
Classification: Benign for Osteogenesis imperfecta type III. Last evaluated: 2021-07-22. Review status: criteria provided, single submitter. Criteria: ACMG Guidelines, 2015. Collection method: clinical testing. Allele origin: germline. Affected: no.

Genome-Nilou Lab
Classification: Benign for Osteogenesis imperfecta with normal sclerae, dominant form. Last evaluated: 2021-07-22. Review status: criteria provided, single submitter. Criteria: ACMG Guidelines, 2015. Collection method: clinical testing. Allele origin: germline. Affected: no.

GeneDx
Classification: Benign. Last evaluated: 2018-06-14. Review status: criteria provided, single submitter. Criteria: GeneDx Variant Classification (06012015). Collection method: clinical testing. Allele origin: germline. Affected: yes.
Comment: This variant is considered likely benign or benign based on one or more of the following criteria: it is a conservative change, it occurs at a poorly conserved position in the protein, it is predicted to be benign by multiple in silico algorithms, and/or has population frequency not consistent with disease.

Breakthrough Genomics
Classification: Benign. Review status: criteria provided, single submitter. Criteria: ACMG Guidelines, 2015. Collection method: not provided. Allele origin: germline. Inheritance: Autosomal dominant inheritance. Affected: yes.